The following is an entry in ClinVar:

NM_007078.3(LDB3):c.954C>T (p.Pro318=)

Gene: LDB3 (LIM domain binding 3; plus strand). Cytogenetic location: 10q23.2.
Variant type: single nucleotide variant.
Coding change: c.954C>T on transcript NM_007078.3 (MANE Select); coding-DNA position 954, C replaced by T.
Protein change: p.Pro318=; no amino-acid change (proline 318 retained).
Molecular consequence: synonymous variant. On other transcripts: intron variant (4).
Genome position (GRCh38, 1-based): chr10:86,706,588, C>T. VCF-style: chr10-86706588-C-T. GRCh37 (hg19) VCF-style: chr10-88466345-C-T.
Other names: c.813C>T, p.Pro271= (NM_001368066.1); c.897-3317C>T (NM_001368064.1, NM_001368065.1); c.1101-3317C>T (NM_001171610.2); c.756-3317C>T (NM_001080114.2).
Identifiers: ClinVar variation 45560 (VCV000045560.33), dbSNP rs45603139, ClinGen allele CA136650.
Genomic context (GRCh38, chr10:86,706,588, plus strand): 5'-CAGCACCCCTATTGAGCATGCGCCGGTGTGCACCAGCCAGGCCACCACCCCGCTGCTGCC[C>T]GCTTCTGCCCAGCCACCTGCTGCTGCCTCTCCCAGTGCGGCTTCGCCACCCCTGGCCACA-3'
Protein context (NP_009009.1, residues 308-328): CTSQATTPLL[Pro318=]ASAQPPAAAS

ClinVar aggregate classification (germline): Benign/Likely benign. Review status: criteria provided, multiple submitters, no conflicts (2 of 4 stars). 12 submissions from 12 submitters: Benign (4); Likely benign (3). 5 of the submissions do not count toward it. Last evaluated 2026-01-31.

Conditions:
LDB3-related disorder. Also called: LDB3-related condition.
Cardiovascular phenotype. Identifiers: MedGen CN230736.
Myofibrillar myopathy 4. Also called: Zaspopathy (type). Identifiers: Orphanet 98912, MedGen C4721886, MONDO:0012277, OMIM 609452.

Allele frequency attached by ClinVar (database versions not stated): gnomAD exomes 0.00044; ExAC 0.00050; 1000 Genomes Project 0.00100; 1000 Genomes Project 30x 0.00109; gnomAD 0.00149 and 0.00168; ESP Exome Variant Server 0.00154; TOPMed 0.00182.
gnomAD v4.1: 457 of 1,613,196 alleles (0.028%); highest among the groups gnomAD compares: African/African-American, 0.5%; 1 homozygote.

Submissions (12):

Labcorp Genetics (formerly Invitae), Labcorp
Classification: Benign for Myofibrillar myopathy 4. Last evaluated: 2026-01-31. Review status: criteria provided, single submitter. Criteria: Invitae Variant Classification Sherloc (09022015). Collection method: clinical testing. Allele origin: germline.

CeGaT Center for Human Genetics Tuebingen
Classification: Likely benign. Last evaluated: 2025-11-01. Review status: criteria provided, single submitter. Criteria: CeGaT Center For Human Genetics Tuebingen Variant Classification Criteria Version 2. Collection method: clinical testing. Allele origin: germline. Affected: yes. Observed: 1 variant allele.
Comment: LDB3: BP4, BP7

Blueprint Genetics
Classification: Likely benign. Last evaluated: 2024-06-20. Review status: criteria provided, single submitter. Criteria: ACMG Guidelines, 2015. Collection method: clinical testing. Allele origin: germline.

Women's Health and Genetics/Laboratory Corporation of America, LabCorp
Classification: Benign. Last evaluated: 2021-03-11. Review status: criteria provided, single submitter. Criteria: LabCorp Variant Classification Summary - May 2015. Collection method: clinical testing. Allele origin: germline.

Ambry Genetics
Classification: Likely benign for Cardiovascular phenotype. Last evaluated: 2017-08-10. Review status: criteria provided, single submitter. Criteria: Ambry Variant Classification Scheme 2023. Collection method: clinical testing. Allele origin: germline.

GeneDx
Classification: Benign. Last evaluated: 2015-03-03. Review status: criteria provided, single submitter. Criteria: GeneDx Variant Classification Process June 2021. Collection method: clinical testing. Allele origin: germline. Affected: yes.

Laboratory for Molecular Medicine, Mass General Brigham Personalized Medicine
Classification: Benign. Last evaluated: 2012-04-18. Review status: criteria provided, single submitter. Criteria: LMM Criteria. Collection method: clinical testing. Allele origin: germline. Observed: 8 variant alleles.
Comment: Pro318Pro in Exon 10 of LDB3: This variant is not expected to have clinical sign ificance because it does not alter an amino acid residue, is not located within the splice consensus sequence and has been identified in 0.5% (17/3738) of Afric an American chromosomes from a broad population by the NHLBI Exome Sequencing Pr oject (dbSNP rs45603139).

PreventionGenetics, part of Exact Sciences
Classification: Benign for LDB3-related condition. Last evaluated: 2019-09-18. Review status: no assertion criteria provided. Collection method: clinical testing. Allele origin: germline. Not counted in ClinVar's aggregate classification.
Comment: This variant is classified as benign based on ACMG/AMP sequence variant interpretation guidelines (Richards et al. 2015 PMID: 25741868, with internal and published modifications).

Clinical Genetics DNA and cytogenetics Diagnostics Lab, Erasmus MC, Erasmus Medical Center
Classification: Likely benign. Review status: no assertion criteria provided. Collection method: clinical testing. Allele origin: germline. Affected: yes. Study: VKGL Data-share Consensus. Not counted in ClinVar's aggregate classification.

Clinical Genetics, Academic Medical Center
Classification: Benign. Review status: no assertion criteria provided. Collection method: clinical testing. Allele origin: germline. Affected: yes. Study: VKGL Data-share Consensus. Not counted in ClinVar's aggregate classification.

Genome Diagnostics Laboratory, University Medical Center Utrecht
Classification: Benign. Review status: no assertion criteria provided. Collection method: clinical testing. Allele origin: germline. Affected: yes. Study: VKGL Data-share Consensus. Not counted in ClinVar's aggregate classification.

Joint Genome Diagnostic Labs from Nijmegen and Maastricht, Radboudumc and MUMC+
Classification: Likely benign. Review status: no assertion criteria provided. Collection method: clinical testing. Allele origin: germline. Affected: yes. Study: VKGL Data-share Consensus. Not counted in ClinVar's aggregate classification.